The following is an entry in ClinVar:

ClinVar aggregate classification (germline): Uncertain significance (1 of 4 stars; one submission).

Allele frequency attached by ClinVar (database versions not stated): ExAC 0.00001; gnomAD 0.00001; TOPMed 0.00004.
gnomAD v4.1: 24 of 1,611,256 alleles (0.0015%); highest among the groups gnomAD compares: Admixed American, 0.013%; no homozygotes.

Submission:

Labcorp Genetics (formerly Invitae), Labcorp
Classification: Uncertain significance. Last evaluated: 2023-09-19. Review status: criteria provided, single submitter. Criteria: Invitae Variant Classification Sherloc (09022015). Collection method: clinical testing. Allele origin: germline.
Comment: In summary, the available evidence is currently insufficient to determine the role of this variant in disease. Therefore, it has been classified as a Variant of Uncertain Significance. Algorithms developed to predict the effect of missense changes on protein structure and function output the following: SIFT: "Not Available"; PolyPhen-2: "Benign"; Align-GVGD: "Not Available". The valine amino acid residue is found in multiple mammalian species, which suggests that this missense change does not adversely affect protein function. ClinVar contains an entry for this variant (Variation ID: 1924471). This variant has not been reported in the literature in individuals affected with AGAP1-related conditions. This variant is present in population databases (rs766225211, gnomAD 0.02%). This sequence change replaces alanine, which is neutral and non-polar, with valine, which is neutral and non-polar, at codon 732 of the AGAP1 protein (p.Ala732Val).

NM_001037131.3(AGAP1):c.2354C>T (p.Ala785Val)

Gene: AGAP1 (ArfGAP with GTPase domain, ankyrin repeat and PH domain 1; plus strand). Cytogenetic location: 2q37.2.
Variant type: single nucleotide variant.
Coding change: c.2354C>T on transcript NM_001037131.3 (MANE Select); coding-DNA position 2354, C replaced by T.
Protein change: p.Ala785Val; replaces alanine 785 with valine.
Molecular consequence: missense variant.
Genome position (GRCh38, 1-based): chr2:236,120,431, C>T. VCF-style: chr2-236120431-C-T. GRCh37 (hg19) VCF-style: chr2-237029075-C-T.
Other names: c.2195C>T, p.Ala732Val (NM_014914.5); short protein forms A732V, A785V.
Identifiers: ClinVar variation 1924471 (VCV001924471.5), dbSNP rs766225211, ClinGen allele CA2185230.